The following is an entry in ClinVar:

NM_007254.4(PNKP):c.1432G>A (p.Val478Ile)

Gene: PNKP (polynucleotide kinase 3'-phosphatase; minus strand). Cytogenetic location: 19q13.33.
Variant type: single nucleotide variant.
Coding change: c.1432G>A on transcript NM_007254.4 (MANE Select); coding-DNA position 1432, G replaced by A.
Protein change: p.Val478Ile; replaces valine 478 with isoleucine.
Molecular consequence: missense variant.
Genome position (GRCh38, 1-based): chr19:49,861,465, C>T on the plus strand (G>A on the coding strand, the complement: PNKP is on the minus strand). VCF-style: chr19-49861465-C-T. GRCh37 (hg19) VCF-style: chr19-50364722-C-T.
Other names: p.V478I:GTC>ATC; c.1432G>A (NM_007254.3); short protein forms V478I.
Identifiers: ClinVar variation 206418 (VCV000206418.8), dbSNP rs796052857, ClinGen allele CA316513.
Genomic context (GRCh38, chr19:49,861,465, plus strand): 5'-GTGGCCCAGCCAGTGCCCCTGCCCCCTGCTATCCCCAACAGTACCTGTAGCCATACATGA[C>T]CATGTCTGACACGGGGATATGAGAGGAGTCCGTCATCTCTCGAAACTGTGGGGAACATCA-3'
Protein context (NP_009185.2, residues 468-488): DSSHIPVSDM[Val478Ile]MYGYRKQFEA

ClinVar aggregate classification (germline): Uncertain significance. Review status: criteria provided, multiple submitters, no conflicts (2 of 4 stars). 3 submissions from 3 submitters: Uncertain significance (3). Last evaluated 2025-11-04.

Conditions:
Developmental and epileptic encephalopathy, 12 (DEE12). Identifiers: MedGen C3150988, MONDO:0013389, OMIM 613722.
Inborn genetic diseases. Identifiers: MedGen C0950123, MeSH D030342.

Allele frequency attached by ClinVar (database versions not stated): gnomAD exomes below 0.00001 and 0.00001; gnomAD 0.00001; TOPMed 0.00003.

Submissions (3):

GeneDx
Classification: Uncertain significance. Last evaluated: 2025-11-04. Review status: criteria provided, single submitter. Criteria: GeneDx Variant Classification Process June 2021. Collection method: clinical testing. Allele origin: germline. Affected: yes.
Comment: Not observed at significant frequency in large population cohorts (gnomAD); In silico analysis suggests this variant may impact gene splicing. In the absence of RNA/functional studies, the actual effect of this sequence change is unknown.; In silico analysis suggests that this missense variant does not alter protein structure/function; Has not been previously published as pathogenic or benign to our knowledge; This variant is associated with the following publications: (PMID: 22508754)

Ambry Genetics
Classification: Uncertain significance for Inborn genetic diseases. Last evaluated: 2022-07-13. Review status: criteria provided, single submitter. Criteria: Ambry Variant Classification Scheme 2023. Collection method: clinical testing. Allele origin: germline.

Labcorp Genetics (formerly Invitae), Labcorp
Classification: Uncertain significance for Developmental and epileptic encephalopathy, 12. Last evaluated: 2021-07-30. Review status: criteria provided, single submitter. Criteria: Invitae Variant Classification Sherloc (09022015). Collection method: clinical testing. Allele origin: germline.
Comment: This sequence change replaces valine with isoleucine at codon 478 of the PNKP protein (p.Val478Ile). The valine residue is highly conserved and there is a small physicochemical difference between valine and isoleucine. This variant is not present in population databases (ExAC no frequency). This variant has not been reported in the literature in individuals affected with PNKP-related conditions. ClinVar contains an entry for this variant (Variation ID: 206418). Algorithms developed to predict the effect of missense changes on protein structure and function are either unavailable or do not agree on the potential impact of this missense change (SIFT: "Deleterious"; PolyPhen-2: "Benign"; Align-GVGD: "Class C0"). In summary, the available evidence is currently insufficient to determine the role of this variant in disease. Therefore, it has been classified as a Variant of Uncertain Significance.